The following is an entry in ClinVar:

NM_020318.3(PAPPA2):c.3365+11TG[15]

Gene: PAPPA2 (pappalysin 2; plus strand). Cytogenetic location: 1q25.2.
Variant type: Microsatellite.
Coding change: c.3365+11TG[15] on transcript NM_020318.3 (MANE Select); 15 copies in a row of the 2-base unit TG starting at c.3365+11; the reference has 16 copies in a row; one copy, 2 bases deleted.
Molecular consequence: intron variant.
Genome position (GRCh38, 1-based): chr1:176,702,776-176,702,777, TG deleted; deleting any 2 consecutive bases within chr1:176,702,746-176,702,777 gives the same sequence; the position shown is the placement nearest the transcript's 3' end. VCF-style (leftmost placement, unchanged base first): chr1-176702745-TTG-T. GRCh37 (hg19) VCF-style: chr1-176671881-TTG-T.
Other names: c.3365+41_3365+42delTG (NM_020318.3).
Identifiers: ClinVar variation 4887519 (VCV004887519.2).
Genomic context (GRCh38, chr1:176,702,745, plus strand): 5'-TCTGAACCACATTCATGGAGCTCCTTATTGTGGAGATGGGAAGGTGTCAGAGTGAGTATT[TTG>T]TGTGTGTGTGTGTGTGTGTGTGTGTGTGTGAGAGAGAGAGAGAGAGAGAGAGAGAGGGAG-3'

ClinVar aggregate classification (germline): Likely benign. Review status: criteria provided, multiple submitters, no conflicts (2 of 4 stars). 2 submissions from 2 submitters: Likely benign (2). Last evaluated 2026-06-04.

Submissions (2):

Women's Health and Genetics/Laboratory Corporation of America, LabCorp
Classification: Likely benign. Last evaluated: 2026-06-04. Review status: criteria provided, single submitter. Criteria: LabCorp Variant Classification Summary - May 2015. Collection method: clinical testing. Allele origin: germline.
Comment: Variant summary: PAPPA2 c.3365+41_3365+42delTG is located at a position not widely known to affect splicing. Consensus agreement among computation tools predict no significant impact on normal splicing. However, these predictions have yet to be confirmed by functional studies. The variant was absent in 146652 control chromosomes. The available data on variant occurrences in the general population are insufficient to allow any conclusion about variant significance. To our knowledge, no occurrence of c.3365+41_3365+42delTG in individuals affected with PAPPA2-related conditions and no experimental evidence demonstrating its impact on protein function have been reported. No submitters have cited clinical-significance assessments for this variant to ClinVar. Based on the evidence outlined above, the variant was classified as likely benign.

Blueprint Genetics
Classification: Likely benign. Last evaluated: 2024-11-21. Review status: criteria provided, single submitter. Criteria: ACMG Guidelines, 2015. Collection method: clinical testing. Allele origin: germline.